The following is an entry in ClinVar:

NM_144572.2(TBC1D2B):c.1564_1565del (p.Arg522fs)

Gene: TBC1D2B (TBC1 domain family member 2B; minus strand). Cytogenetic location: 15q25.1.
Variant type: Microsatellite.
Coding change: c.1564_1565del on transcript NM_144572.2 (MANE Select); coding-DNA positions 1564 to 1565, 2 bases deleted (AG; older notation c.1564_1565delAG).
Protein change: p.Arg522fs; shifts the reading frame from arginine 522.
Molecular consequence: frameshift variant.
Genome position (GRCh38, 1-based): chr15:78,017,863-78,017,864, CT deleted on the plus strand (AG on the coding strand, the reverse complement: TBC1D2B is on the minus strand); deleting any 2 consecutive bases within chr15:78,017,863-78,017,871 gives the same sequence; the c. name uses the placement nearest the transcript's 3' end. VCF-style (leftmost placement, unchanged base first): chr15-78017862-CCT-C. GRCh37 (hg19) VCF-style: chr15-78310204-CCT-C.
Other names: c.1564_1565del, p.Arg522fs (NM_001387142.1, NM_001387144.1, NM_015079.6); c.1561_1562del, p.Arg521fs (NM_001387143.1); c.1228_1229del, p.Arg410fs (NM_001387145.1, NM_001387146.1, NM_001387147.1 and 1 more transcripts); c.1114_1115del, p.Arg372fs (NM_001387149.1); short protein forms R372fs, R410fs, R521fs, R522fs.
Identifiers: ClinVar variation 4880714 (VCV004880714.2).

ClinVar aggregate classification (germline): Likely pathogenic (1 of 4 stars; one submission).

Conditions:
Neurodevelopmental disorder with seizures and gingival overgrowth. Identifiers: MedGen C5543395, MONDO:0859148, OMIM 619323.

Submission:

Dasa
Classification: Likely pathogenic for Neurodevelopmental disorder with seizures and gingival overgrowth. Last evaluated: 2026-03-11. Review status: criteria provided, single submitter. Criteria: DASA Assertion Criteria. Collection method: clinical testing. Allele origin: germline.
Comment: NM_144572.2(TBC1D2B):c.1564_1565del (p.Arg522Glyfs*8) is a frameshift variant in TBC1D2B predicted to alter the reading frame and introduce a premature termination codon and is predicted to result in an absent or altered protein product. Loss of function is an established disease mechanism for TBC1D2B-associated disorders. Also, this variant is absent from population databases. Based on the currently available evidence, this variant is classified as likely pathogenic.